The following is an entry in ClinVar:

NM_020843.4(SCAPER):c.2954+10G>C

Gene: SCAPER (S-phase cyclin A associated protein in the ER; minus strand). Cytogenetic location: 15q24.3.
Variant type: single nucleotide variant.
Coding change: c.2954+10G>C on transcript NM_020843.4 (MANE Select); 10 bases into the intron after coding-DNA position 2954, G replaced by C.
Molecular consequence: intron variant.
Genome position (GRCh38, 1-based): chr15:76,504,849, C>G on the plus strand (G>C on the coding strand, the complement: SCAPER is on the minus strand). VCF-style: chr15-76504849-C-G. GRCh37 (hg19) VCF-style: chr15-76797190-C-G.
Other names: c.2570+10G>C (NM_001353011.2); c.2552+10G>C (NM_001353012.2, NM_001353010.2); c.2972+10G>C (NM_001353009.2, NM_001353009.1); c.2216+10G>C (NM_001145923.2).
Identifiers: ClinVar variation 4925946 (VCV004925946.2).
Genomic context (GRCh38, chr15:76,504,849, plus strand): 5'-ATATGGAAACCATAGGGCAGAAATGACTCACAAATGAAACGTAAAAAATAGATTAAGAAA[C>G]TATACTTACTTAGGAGGAATTCTTAAAACTGTGTTCACATTTGTGGCTGGGACTACTGCT-3'

ClinVar aggregate classification (germline): Likely benign. Review status: criteria provided, multiple submitters, no conflicts (2 of 4 stars). 2 submissions from 2 submitters: Likely benign (2). Last evaluated 2025-05-07.

Conditions:
SCAPER-related disorder. Also called: SCAPER-related condition.

gnomAD v4.1: 44 of 1,576,544 alleles (0.0028%); highest among the groups gnomAD compares: African/African-American, 0.052%; no homozygotes.

Submissions (2):

PreventionGenetics, part of Exact Sciences
Classification: Likely benign for SCAPER-related condition. Last evaluated: 2025-05-07. Review status: criteria provided, single submitter. Criteria: ACMG Guidelines, 2015. Collection method: clinical testing. Allele origin: germline.
Comment: This variant is classified as likely benign based on ACMG/AMP sequence variant interpretation guidelines (Richards et al. 2015 PMID: 25741868, with internal and published modifications).

Blueprint Genetics
Classification: Likely benign. Last evaluated: 2022-11-17. Review status: criteria provided, single submitter. Criteria: ACMG Guidelines, 2015. Collection method: clinical testing. Allele origin: germline.